The following is an entry in ClinVar:

ClinVar aggregate classification (germline): Uncertain significance (1 of 4 stars; one submission).

Conditions:
Inborn genetic diseases. Identifiers: MedGen C0950123, MeSH D030342.

gnomAD v4.1: 7 of 1,614,146 alleles (0.00043%); highest among the groups gnomAD compares: Non-Finnish European, 0.00034%; no homozygotes.

Submission:

Ambry Genetics
Classification: Uncertain significance for Inborn genetic diseases. Last evaluated: 2026-03-04. Review status: criteria provided, single submitter. Criteria: Ambry Variant Classification Scheme 2023. Collection method: clinical testing. Allele origin: germline.
Comment: The p.D643E variant (also known as c.1929C>G), located in coding exon 17 of the KDM1A gene, results from a C to G substitution at nucleotide position 1929. The aspartic acid at codon 643 is replaced by glutamic acid, an amino acid with highly similar properties. This amino acid position is conserved. In addition, this alteration is predicted to be deleterious by in silico analysis. Based on the available evidence, the clinical significance of this variant remains unclear.

NM_001009999.3(KDM1A):c.1929C>G (p.Asp643Glu)

Gene: KDM1A (lysine demethylase 1A; plus strand). Cytogenetic location: 1p36.12.
Variant type: single nucleotide variant.
Coding change: c.1929C>G on transcript NM_001009999.3 (MANE Select); coding-DNA position 1929, C replaced by G.
Protein change: p.Asp643Glu; replaces aspartic acid 643 with glutamic acid.
Molecular consequence: missense variant.
Genome position (GRCh38, 1-based): chr1:23,079,051, C>G. VCF-style: chr1-23079051-C-G. GRCh37 (hg19) VCF-style: chr1-23405544-C-G.
Other names: c.1875C>G, p.Asp625Glu (NM_001363654.2); c.1935C>G, p.Asp645Glu (NM_001410762.1); c.1857C>G, p.Asp619Glu (NM_001410763.1, NM_015013.4); short protein forms D619E, D625E, D645E, D643E.
Identifiers: ClinVar variation 4826113 (VCV004826113.1).